The following is an entry in ClinVar:

ClinVar aggregate classification (germline): Uncertain significance (1 of 4 stars; one submission).

Conditions:
Familial adenomatous polyposis 1 (FAP1). Also called: FAMILIAL ADENOMATOUS POLYPOSIS 1, ATTENUATED; POLYPOSIS, ADENOMATOUS INTESTINAL. Identifiers: MedGen C2713442, MONDO:0021056, OMIM 175100. Disease mechanism: loss of function.

Allele frequency attached by ClinVar (database versions not stated): gnomAD exomes below 0.00001.

Submission:

Labcorp Genetics (formerly Invitae), Labcorp
Classification: Uncertain significance for Familial adenomatous polyposis 1. Last evaluated: 2024-09-03. Review status: criteria provided, single submitter. Criteria: Invitae Variant Classification Sherloc (09022015). Collection method: clinical testing. Allele origin: germline.
Comment: This variant occurs in a non-coding region of the APC gene. It does not change the encoded amino acid sequence of the APC protein. This variant is not present in population databases (gnomAD no frequency). This variant has not been reported in the literature in individuals affected with APC-related conditions. Experimental studies and prediction algorithms are not available or were not evaluated, and the functional significance of this variant is currently unknown. In summary, the available evidence is currently insufficient to determine the role of this variant in disease. Therefore, it has been classified as a Variant of Uncertain Significance.

NM_001127511.3(APC):c.-127G>A

Gene: APC (APC regulator of Wnt signaling pathway; plus strand). Cytogenetic location: 5q22.2.
Variant type: single nucleotide variant.
Coding change: c.-127G>A on transcript NM_001127511.3; 127 bases upstream of the start codon, G replaced by A.
Molecular consequence: 5 prime UTR variant. On other transcripts: non-coding transcript variant (2).
Genome position (GRCh38, 1-based): chr5:112,707,591, G>A. VCF-style: chr5-112707591-G-A. GRCh37 (hg19) VCF-style: chr5-112043288-G-A.
Other names: c.-310G>A (NM_001354895.2, NM_001407447.1, NM_001407452.1 and 3 more transcripts); c.-127G>A (NM_001354897.2, NM_001354902.2, NM_001407446.1); c.-77G>A (NM_001407448.1, NM_001407450.1, NM_001407457.1 and 1 more transcripts); c.-101G>A (NM_001407453.1); c.-1345G>A (NM_001407470.1, NM_001407472.1).
Identifiers: ClinVar variation 1430963 (VCV001430963.6), dbSNP rs1235543350, ClinGen allele CA650199349.
Genomic context (GRCh38, chr5:112,707,591, plus strand): 5'-GGAGGGCAAGTAGCAAGGGGGCGGGGTGTGGCCGCCGGAAGCCTAGCCGCTGCTCGGGGG[G>A]GACCTGCGGGCTCAGGCCCGGGAGCTGCGGACCGAGGTTGGCTCGATGCTGTTCCCAGGT-3'